The following is an entry in ClinVar:

ClinVar aggregate classification (germline): Uncertain significance. Review status: criteria provided, multiple submitters, no conflicts (2 of 4 stars). 2 submissions from 2 submitters: Uncertain significance (2). Last evaluated 2024-08-19.

Conditions:
Cardiomyopathy (CMYO). Also called: Cardiomyopathies. Identifiers: Orphanet 167848, MedGen C0878544, MONDO:0004994, HP:0001638. Inheritance: Various modes of inheritance.
Arrhythmogenic right ventricular cardiomyopathy (ARVD). Also called: Arrhythmogenic right ventricular dysplasia; Cardiomyopathy, ARVC; Arrhythmogenic cardiomyopathy; Arrhythmogenic Right Ventricular Cardiomyopathy (ARVC). Identifiers: Orphanet 247, MedGen C0349788, MeSH D019571, MONDO:0016587. Disease mechanism: loss of function. Inheritance: Various modes of inheritance.

Allele frequency attached by ClinVar (database versions not stated): gnomAD exomes below 0.00001; TOPMed 0.00001.
gnomAD v4.1: 13 of 1,614,056 alleles (0.00081%); highest among the groups gnomAD compares: Non-Finnish European, 0.001%; no homozygotes.

Submissions (2):

All of Us Research Program, National Institutes of Health
Classification: Uncertain significance for Arrhythmogenic right ventricular cardiomyopathy. Last evaluated: 2024-08-19. Review status: criteria provided, single submitter. Criteria: ACMG Guidelines, 2015. Collection method: clinical testing. Allele origin: germline. Inheritance: Autosomal dominant inheritance. Observed: 2 variant alleles, 2 heterozygotes.
Comment: This missense variant replaces histidine with asparagine at codon 163 of the PKP2 protein. Computational prediction suggests that this variant may not impact protein structure and function (internally defined REVEL score threshold <= 0.5, PMID: 27666373). To our knowledge, functional studies have not been reported for this variant. This variant has not been reported in individuals affected with PKP2-related disorders in the literature. This variant has been identified in 1/251374 chromosomes in the general population by the Genome Aggregation Database (gnomAD). The available evidence is insufficient to determine the role of this variant in disease conclusively. Therefore, this variant is classified as a Variant of Uncertain Significance.

This study involves interpretation of variants in research participants for the purpose of population health screening. Participant phenotype was not available at the time of variant classification. Additional details can be found in publication PMID: 35346344, PMCID: PMC8962531

Color Diagnostics, LLC DBA Color Health
Classification: Uncertain significance for Cardiomyopathy. Last evaluated: 2024-05-09. Review status: criteria provided, single submitter. Criteria: ACMG Guidelines, 2015. Collection method: clinical testing. Allele origin: germline.
Comment: This missense variant replaces histidine with asparagine at codon 163 of the PKP2 protein. Computational prediction suggests that this variant may not impact protein structure and function (internally defined REVEL score threshold <= 0.5, PMID: 27666373). To our knowledge, functional studies have not been reported for this variant. This variant has not been reported in individuals affected with PKP2-related disorders in the literature. This variant has been identified in 1/251374 chromosomes in the general population by the Genome Aggregation Database (gnomAD). The available evidence is insufficient to determine the role of this variant in disease conclusively. Therefore, this variant is classified as a Variant of Uncertain Significance.

NM_001005242.3(PKP2):c.487C>A (p.His163Asn)

Gene: PKP2 (plakophilin 2; minus strand). Cytogenetic location: 12p11.21.
Variant type: single nucleotide variant.
Coding change: c.487C>A on transcript NM_001005242.3 (MANE Select); coding-DNA position 487, C replaced by A.
Protein change: p.His163Asn; replaces histidine 163 with asparagine.
Molecular consequence: missense variant.
Genome position (GRCh38, 1-based): chr12:32,878,393, G>T on the plus strand (C>A on the coding strand, the complement: PKP2 is on the minus strand). VCF-style: chr12-32878393-G-T. GRCh37 (hg19) VCF-style: chr12-33031327-G-T.
Other names: c.487C>A, p.His163Asn (NM_004572.4); short protein forms H163N.
Identifiers: ClinVar variation 3387502 (VCV003387502.2), dbSNP rs1006488583.